The following is an entry in ClinVar:

NM_018133.4(MSL2):c.796_797del (p.Leu266fs)

Gene: MSL2 (MSL complex subunit 2; minus strand). Cytogenetic location: 3q22.3.
Variant type: Microsatellite.
Coding change: c.796_797del on transcript NM_018133.4 (MANE Select); coding-DNA positions 796 to 797, 2 bases deleted (CT; older notation c.796_797delCT).
Protein change: p.Leu266fs; shifts the reading frame from leucine 266.
Molecular consequence: frameshift variant.
Genome position (GRCh38, 1-based): chr3:136,152,084-136,152,085, AG deleted on the plus strand (CT on the coding strand, the reverse complement: MSL2 is on the minus strand); deleting any 2 consecutive bases within chr3:136,152,084-136,152,089 gives the same sequence; the c. name uses the placement nearest the transcript's 3' end. VCF-style (leftmost placement, unchanged base first): chr3-136152083-CAG-C. GRCh37 (hg19) VCF-style: chr3-135870925-CAG-C.
Other names: c.796_797delCT (NM_018133.4); c.574_575del, p.Leu192fs (NM_001145417.2); short protein forms L192fs, L266fs.
Identifiers: ClinVar variation 2581155 (VCV002581155.5), dbSNP rs2529547139, ClinGen allele CA2582342645.

ClinVar aggregate classification (germline): Conflicting classifications of pathogenicity. Review status: criteria provided, conflicting classifications (1 of 4 stars). 4 submissions from 4 submitters: Likely pathogenic (1); Uncertain significance (1). 2 of the submissions do not count toward it. Last evaluated 2024-10-09.

Conditions:
Karayol-Borroto-Haghshenas neurodevelopmental syndrome. Identifiers: MedGen C5975476, MONDO:0975836, OMIM 620985.
Syndromic neurodevelopmental disorder.

Submissions (4):

Labcorp Genetics (formerly Invitae), Labcorp
Classification: Uncertain significance. Last evaluated: 2024-10-09. Review status: criteria provided, single submitter. Criteria: Invitae Variant Classification Sherloc (09022015). Collection method: clinical testing. Allele origin: germline.
Comment: This sequence change creates a premature translational stop signal (p.Leu266Valfs*5) in the MSL2 gene. While this is not anticipated to result in nonsense mediated decay, it is expected to disrupt the last 312 amino acid(s) of the MSL2 protein. This variant is not present in population databases (gnomAD no frequency). This premature translational stop signal has been observed in individual(s) with MSL2-related conditions (PMID: 33057194, 33860439, 35982159). In summary, the available evidence is currently insufficient to determine the role of this variant in disease. Therefore, it has been classified as a Variant of Uncertain Significance.

3billion
Classification: Likely pathogenic for Karayol-Borroto-Haghshenas neurodevelopmental syndrome. Last evaluated: 2024-06-07. Review status: criteria provided, single submitter. Criteria: ACMG Guidelines, 2015. Collection method: clinical testing. Allele origin: germline. Affected: yes.
Comment: The variant is not observed in the gnomAD v4.1.0 dataset. Predicted Consequence/Location: Frameshift: predicted to result in a loss or disruption of normal protein function through protein truncation. The predicted truncated protein may be shortened by more than 10%. The variant has been previously reported as assumed (i.e. paternity and maternity not confirmed) de novo in at least one similarly affected unrelated individual (PMID: 33860439). The variant has been reported to be associated with MSL2 related disorder (ClinVar ID: VCV002581155 /3billion dataset). Therefore, this variant is classified as Likely pathogenic according to the recommendation of ACMG/AMP guideline.

OMIM
Classification: Pathogenic for KARAYOL-BORROTO-HAGHSHENAS NEURODEVELOPMENTAL SYNDROME. Last evaluated: 2025-09-11. Review status: no assertion criteria provided. Collection method: literature only. Allele origin: germline. Not counted in ClinVar's aggregate classification.

Yong-hui Jiang Laboratory, Yale University
Classification: Pathogenic for syndromic neurodevelopmental disorder. Last evaluated: 2023-09-01. Review status: no assertion criteria provided. Collection method: clinical testing. Allele origin: de novo. Affected: yes. Observed: 1 variant allele. Not counted in ClinVar's aggregate classification.

Literature cited by the submitters: PubMed 33057194 (cited by Labcorp Genetics (formerly Invitae), Labcorp); PubMed 33860439 (cited by Labcorp Genetics (formerly Invitae), Labcorp and 3billion); PubMed 35982159 (cited by Labcorp Genetics (formerly Invitae), Labcorp); PubMed 38702431 (cited by OMIM).